The following is an entry in ClinVar:

NM_182914.3(SYNE2):c.10807A>G (p.Thr3603Ala)

Gene: SYNE2 (spectrin repeat containing nuclear envelope protein 2; plus strand). Cytogenetic location: 14q23.2.
Variant type: single nucleotide variant.
Coding change: c.10807A>G on transcript NM_182914.3 (MANE Select); coding-DNA position 10807, A replaced by G.
Protein change: p.Thr3603Ala; replaces threonine 3603 with alanine.
Molecular consequence: missense variant.
Genome position (GRCh38, 1-based): chr14:64,074,077, A>G. VCF-style: chr14-64074077-A-G. GRCh37 (hg19) VCF-style: chr14-64540795-A-G.
Other names: c.10807A>G (NM_182914.2); c.10807A>G, p.Thr3603Ala (NM_015180.6); short protein forms T3603A.
Identifiers: ClinVar variation 3611271 (VCV003611271.3).

ClinVar aggregate classification (germline): Uncertain significance. Review status: criteria provided, multiple submitters, no conflicts (2 of 4 stars). 2 submissions from 2 submitters: Uncertain significance (2). Last evaluated 2025-06-19.

Conditions:
Emery-Dreifuss muscular dystrophy 5, autosomal dominant (EDMD5). Also called: EMERY-DREIFUSS MUSCULAR DYSTROPHY 5. Identifiers: Orphanet 261, MedGen C2751805, MONDO:0013072, OMIM 612999.

gnomAD v4.1: 4 of 1,614,218 alleles (0.00025%); highest among the groups gnomAD compares: East Asian, 0.0022%; no homozygotes.

Submissions (2):

Ambry Genetics
Classification: Uncertain significance. Last evaluated: 2025-06-19. Review status: criteria provided, single submitter. Criteria: Ambry Variant Classification Scheme 2023. Collection method: clinical testing. Allele origin: germline.

Labcorp Genetics (formerly Invitae), Labcorp
Classification: Uncertain significance for Emery-Dreifuss muscular dystrophy 5, autosomal dominant. Last evaluated: 2024-07-16. Review status: criteria provided, single submitter. Criteria: Invitae Variant Classification Sherloc (09022015). Collection method: clinical testing. Allele origin: germline.
Comment: This sequence change replaces threonine, which is neutral and polar, with alanine, which is neutral and non-polar, at codon 3603 of the SYNE2 protein (p.Thr3603Ala). This variant is not present in population databases (gnomAD no frequency). This variant has not been reported in the literature in individuals affected with SYNE2-related conditions. An algorithm developed to predict the effect of missense changes on protein structure and function outputs the following: PolyPhen-2: "Benign". The alanine amino acid residue is found in multiple mammalian species, which suggests that this missense change does not adversely affect protein function. In summary, the available evidence is currently insufficient to determine the role of this variant in disease. Therefore, it has been classified as a Variant of Uncertain Significance.